The following is an entry in ClinVar:

NM_001999.4(FBN2):c.6269C>G (p.Ser2090Cys)

Gene: FBN2 (fibrillin 2; minus strand). Cytogenetic location: 5q23.3.
Variant type: single nucleotide variant.
Coding change: c.6269C>G on transcript NM_001999.4 (MANE Select); coding-DNA position 6269, C replaced by G.
Protein change: p.Ser2090Cys; replaces serine 2090 with cysteine.
Molecular consequence: missense variant.
Genome position (GRCh38, 1-based): chr5:128,291,552, G>C on the plus strand (C>G on the coding strand, the complement: FBN2 is on the minus strand). VCF-style: chr5-128291552-G-C. GRCh37 (hg19) VCF-style: chr5-127627244-G-C.
Other names: short protein forms S2090C.
Identifiers: ClinVar variation 2831181 (VCV002831181.3), dbSNP rs878854478, ClinGen allele CA360764316.

ClinVar aggregate classification (germline): Uncertain significance (1 of 4 stars; one submission).

Conditions:
Congenital contractural arachnodactyly (CCA). Also called: BEALS SYNDROME; Beals-Hecht syndrome; Arthrogryposis, distal, type 9. Identifiers: Orphanet 115, MedGen C0220668, MONDO:0007363, OMIM 121050.

Submission:

Labcorp Genetics (formerly Invitae), Labcorp
Classification: Uncertain significance for Congenital contractural arachnodactyly. Last evaluated: 2023-01-22. Review status: criteria provided, single submitter. Criteria: Invitae Variant Classification Sherloc (09022015). Collection method: clinical testing. Allele origin: germline.
Comment: In summary, the available evidence is currently insufficient to determine the role of this variant in disease. Therefore, it has been classified as a Variant of Uncertain Significance. This sequence change replaces serine, which is neutral and polar, with cysteine, which is neutral and slightly polar, at codon 2090 of the FBN2 protein (p.Ser2090Cys). This variant is not present in population databases (gnomAD no frequency). This variant has not been reported in the literature in individuals affected with FBN2-related conditions. Advanced modeling of protein sequence and biophysical properties (such as structural, functional, and spatial information, amino acid conservation, physicochemical variation, residue mobility, and thermodynamic stability) performed at Invitae indicates that this missense variant is expected to disrupt FBN2 protein function.